The following is an entry in ClinVar:

ClinVar aggregate classification (germline): Conflicting classifications of pathogenicity. Review status: criteria provided, conflicting classifications (1 of 4 stars). 2 submissions from 2 submitters: Uncertain significance (1); Likely benign (1). Last evaluated 2026-06-09.

Conditions:
Bethlem myopathy 2 (BTHLM2). Identifiers: Orphanet 536516, Orphanet 610, MedGen C4225313, MONDO:0034022, OMIM 616471.
Ullrich congenital muscular dystrophy 2 (UCMD2). Identifiers: Orphanet 75840, MedGen C4225314, MONDO:0014654, OMIM 616470.

gnomAD v4.1: 5 of 1,610,804 alleles (0.00031%); highest among the groups gnomAD compares: Non-Finnish European, 0.00042%; no homozygotes.

Submissions (2):

Women's Health and Genetics/Laboratory Corporation of America, LabCorp
Classification: Uncertain significance. Last evaluated: 2026-06-09. Review status: criteria provided, single submitter. Criteria: LabCorp Variant Classification Summary - May 2015. Collection method: clinical testing. Allele origin: germline.
Comment: Variant summary: COL12A1 c.4561-11T>C alters a non-conserved nucleotide located at a position not widely known to affect splicing. Several computational tools predict a significant impact on normal splicing: Two predict the variant weakens a canonical 3' acceptor site and one predicts the variant has no significant impact on splicing. However, these predictions have yet to be confirmed by functional studies. The variant allele was found at a frequency of 4e-06 in 247340 control chromosomes. The available data on variant occurrences in the general population are insufficient to allow any conclusion about variant significance. To our knowledge, no occurrence of c.4561-11T>C in individuals affected with COL12A1-related conditions and no experimental evidence demonstrating its impact on protein function have been reported. ClinVar contains an entry for this variant (Variation ID: 4794856). Based on the evidence outlined above, the variant was classified as uncertain significance.

Labcorp Genetics (formerly Invitae), Labcorp
Classification: Likely benign for Bethlem myopathy 2; Ullrich congenital muscular dystrophy 2. Last evaluated: 2025-04-02. Review status: criteria provided, single submitter. Criteria: Invitae Variant Classification Sherloc (09022015). Collection method: clinical testing. Allele origin: germline.

NM_004370.6(COL12A1):c.4561-11T>C

Gene: COL12A1 (collagen type XII alpha 1 chain; minus strand). Cytogenetic location: 6q13.
Variant type: single nucleotide variant.
Coding change: c.4561-11T>C on transcript NM_004370.6 (MANE Select); 11 bases into the intron before coding-DNA position 4561, T replaced by C.
Molecular consequence: intron variant.
Genome position (GRCh38, 1-based): chr6:75,145,466, A>G on the plus strand (T>C on the coding strand, the complement: COL12A1 is on the minus strand). VCF-style: chr6-75145466-A-G. GRCh37 (hg19) VCF-style: chr6-75855182-A-G.
Other names: c.1069-11T>C (NM_001424116.1, NM_080645.3); c.4288-11T>C (NM_001424115.1); c.4561-11T>C (NM_001424114.1, NM_001424113.1).
Identifiers: ClinVar variation 4794856 (VCV004794856.2).
Genomic context (GRCh38, chr6:75,145,466, plus strand): 5'-GGAACAAGGTCAGTCAGCTGCATGTCATTCACTGTTGGCCCCAAACGCACCTGCACATGG[A>G]TATGTGGAGCAGAAATAAGATATTCAAATCAAACTTTTCCATTTACCTTTGGAATAGTCA-3'